The following is an entry in ClinVar:

NM_006393.3(NEBL):c.1475C>G (p.Thr492Ser)

Gene: NEBL (nebulette; minus strand). Cytogenetic location: 10p12.31.
Variant type: single nucleotide variant.
Coding change: c.1475C>G on transcript NM_006393.3 (MANE Select); coding-DNA position 1475, C replaced by G.
Protein change: p.Thr492Ser; replaces threonine 492 with serine.
Molecular consequence: missense variant. On other transcripts: intron variant (9).
Genome position (GRCh38, 1-based): chr10:20,831,558, G>C on the plus strand (C>G on the coding strand, the complement: NEBL is on the minus strand). VCF-style: chr10-20831558-G-C. GRCh37 (hg19) VCF-style: chr10-21120487-G-C.
Other names: c.250-18618C>G (NM_001377326.1, NM_001377327.1, NM_001377328.1); c.358-18618C>G (NM_213569.2, NM_001173484.2, NM_001377322.1); c.301-18618C>G (NM_001377324.1); c.292-18618C>G (NM_001377325.1); c.310-18618C>G (NM_001377323.1); short protein forms T492S.
Identifiers: ClinVar variation 451947 (VCV000451947.2), dbSNP rs1299663441, ClinGen allele CA376097857.

ClinVar aggregate classification (germline): Uncertain significance (1 of 4 stars; one submission).

Submission:

GeneDx
Classification: Uncertain significance. Last evaluated: 2017-09-08. Review status: criteria provided, single submitter. Criteria: GeneDx Variant Classification (06012015). Collection method: clinical testing. Allele origin: germline. Affected: yes.
Comment: A variant of uncertain significance has been identified in the NEBL gene. The T492S variant has not been published as pathogenic or been reported as benign to our knowledge. This variant is not observed in large population cohorts (Lek et al., 2016; 1000 Genomes Consortium et al., 2015; Exome Variant Server). However, the T492S variant is a conservative amino acid substitution, which is not likely to impact secondary protein structure as these residues share similar properties. This substitution occurs at a position that is not conserved across species. Finally, in silico analysis is inconsistent in its predictions as to whether or not the variant is damaging to the protein structure/function.